The following is an entry in ClinVar:

NM_001371395.1(USP53):c.3174G>A (p.Lys1058=)

Gene: USP53 (ubiquitin specific peptidase 53; plus strand). Cytogenetic location: 4q26.
Variant type: single nucleotide variant.
Coding change: c.3174G>A on transcript NM_001371395.1 (MANE Select); coding-DNA position 3174, G replaced by A.
Protein change: p.Lys1058=; no amino-acid change (lysine 1058 retained).
Molecular consequence: synonymous variant. On other transcripts: 3 prime UTR variant (4).
Genome position (GRCh38, 1-based): chr4:119,293,163, G>A. VCF-style: chr4-119293163-G-A. GRCh37 (hg19) VCF-style: chr4-120214318-G-A.
Other names: c.3021G>A, p.Lys1007= (NM_001371396.1, NM_001389661.1); c.*674G>A (NM_001371397.1, NM_001371398.1, NM_001389666.1 and 1 more transcripts); c.3174G>A, p.Lys1058= (NM_001371399.1, NM_001389658.1, NM_001389659.1 and 1 more transcripts); c.3024G>A, p.Lys1008= (NM_001389660.1); c.2826G>A, p.Lys942= (NM_001389662.1, NM_001389663.1, NM_001389664.1); c.2673G>A, p.Lys891= (NM_001389665.1).
Identifiers: ClinVar variation 4992394 (VCV004992394.1).

ClinVar aggregate classification (germline): Likely benign (1 of 4 stars; one submission).

Conditions:
USP53-related disorder. Also called: USP53-related condition.

gnomAD v4.1: 6 of 1,611,624 alleles (0.00037%); highest among the groups gnomAD compares: African/African-American, 0.008%; no homozygotes.

Submission:

PreventionGenetics, part of Exact Sciences
Classification: Likely benign for USP53-related condition. Last evaluated: 2026-08-24. Review status: criteria provided, single submitter. Criteria: ACMG Guidelines, 2015. Collection method: clinical testing. Allele origin: germline.
Comment: This variant is classified as likely benign based on ACMG/AMP sequence variant interpretation guidelines (Richards et al. 2015 PMID: 25741868, with internal and published modifications).